The following is an entry in ClinVar:

NM_001267550.2(TTN):c.62782C>T (p.Leu20928Phe)

Genes: TTN (titin; minus strand), TTN-AS1 (TTN antisense RNA 1; plus strand). Cytogenetic location: 2q31.2.
Variant type: single nucleotide variant.
Coding change: c.62782C>T on transcript NM_001267550.2 (MANE Select); coding-DNA position 62782, C replaced by T.
Protein change: p.Leu20928Phe; replaces leucine 20928 with phenylalanine.
Molecular consequence: missense variant.
Genome position (GRCh38, 1-based): chr2:178,588,943, G>A on the plus strand (C>T on the coding strand, the complement: TTN is on the minus strand). VCF-style: chr2-178588943-G-A. GRCh37 (hg19) VCF-style: chr2-179453670-G-A.
Other names: c.57859C>T, p.Leu19287Phe (NM_001256850.1); c.35587C>T, p.Leu11863Phe (NM_003319.4); c.55078C>T, p.Leu18360Phe (NM_133378.4); c.35962C>T, p.Leu11988Phe (NM_133432.3); c.36163C>T, p.Leu12055Phe (NM_133437.4); short protein forms L11863F, L11988F, L12055F, L18360F, L19287F, L20928F.
Identifiers: ClinVar variation 3358164 (VCV003358164.1).
Genomic context (GRCh38, chr2:178,588,943, plus strand): 5'-GCCCTGTGCCTATTTTATTTTCTGCACGGACTCTGAAAATATATTCATTTCCTTCTATGA[G>A]ACGTGTTACTGTAGTACCAGGTGTCAAGACAGTAGCAGAATAGGTAGACCAAACCATTCG-3'
Protein context (NP_001254479.2, residues 20918-20938): VLTPGTTVTR[Leu20928Phe]IEGNEYIFRV

ClinVar aggregate classification (germline): Uncertain significance (0 of 4 stars; one submission).

Conditions:
TTN-related disorder. Also called: TTN-related condition; TTN-related disease; TTN-related disorders.

gnomAD v4.1: 2 of 1,612,744 alleles (0.00012%); highest among the groups gnomAD compares: Admixed American, 0.0033%; no homozygotes.

Submission:

PreventionGenetics, part of Exact Sciences
Classification: Uncertain significance for TTN-related condition. Last evaluated: 2024-09-24. Review status: no assertion criteria provided. Collection method: clinical testing. Allele origin: germline.
Comment: The TTN c.62782C>T variant is predicted to result in the amino acid substitution p.Leu20928Phe. To our knowledge, this variant has not been reported in the literature. This variant is reported in 0.0058% of alleles in individuals of Latino descent in gnomAD. At this time, the clinical significance of this variant is uncertain due to the absence of conclusive functional and genetic evidence.